The following is an entry in ClinVar:

ClinVar aggregate classification (germline): Pathogenic (1 of 4 stars; one submission).

Conditions:
Mowat-Wilson syndrome (MOWS). Also called: Classic Mowat-Wilson Syndrome. Identifiers: Orphanet 2152, MedGen C1856113, MONDO:0009341, OMIM 235730.

Submission:

Labcorp Genetics (formerly Invitae), Labcorp
Classification: Pathogenic for Mowat-Wilson syndrome. Last evaluated: 2024-01-12. Review status: criteria provided, single submitter. Criteria: Invitae Variant Classification Sherloc (09022015). Collection method: clinical testing. Allele origin: germline.
Comment: This sequence change creates a premature translational stop signal (p.Tyr923*) in the ZEB2 gene. It is expected to result in an absent or disrupted protein product. Loss-of-function variants in ZEB2 are known to be pathogenic (PMID: 16053902). This variant is not present in population databases (gnomAD no frequency). This premature translational stop signal has been observed in individual(s) with clinical features of Mowat-Wilson syndrome (PMID: 27848944). For these reasons, this variant has been classified as Pathogenic.

Literature cited by the submitters: PubMed 16053902; PubMed 27848944.

NM_014795.4(ZEB2):c.2769C>A (p.Tyr923Ter)

Gene: ZEB2 (zinc finger E-box binding homeobox 2; minus strand). Cytogenetic location: 2q22.3.
Variant type: single nucleotide variant.
Coding change: c.2769C>A on transcript NM_014795.4 (MANE Select); coding-DNA position 2769, C replaced by A.
Protein change: p.Tyr923Ter; replaces tyrosine 923 with a stop codon.
Molecular consequence: nonsense.
Genome position (GRCh38, 1-based): chr2:144,398,418, G>T on the plus strand (C>A on the coding strand, the complement: ZEB2 is on the minus strand). VCF-style: chr2-144398418-G-T. GRCh37 (hg19) VCF-style: chr2-145155985-G-T.
Other names: c.2697C>A, p.Tyr899Ter (NM_001171653.2); short protein forms Y899*, Y923*.
Identifiers: ClinVar variation 2734277 (VCV002734277.3), dbSNP rs2549105695, ClinGen allele CA348707047.
Genomic context (GRCh38, chr2:144,398,418, plus strand): 5'-TGCTCCAGTTGGGTAGGTGTAGGCCATATGTGGTAGGAAGCTCATCTGATCCAGTCCTGG[G>T]TATGGTCGTAGCCCAGGAATACTGGTCTGGACTGGTGGCATGAAAGTAGCAGGGGGAAAT-3'